The following is an entry in ClinVar:

ClinVar aggregate classification (germline): Conflicting classifications of pathogenicity. Review status: criteria provided, conflicting classifications (1 of 4 stars). 4 submissions from 4 submitters: Uncertain significance (3); Likely benign (1). Last evaluated 2026-01-17.

Conditions:
Inborn genetic diseases. Identifiers: MedGen C0950123, MeSH D030342.
FLNB-Related Spectrum Disorders.

Allele frequency attached by ClinVar (database versions not stated): ExAC 0.00003; gnomAD exomes 0.00005 and 0.00013; TOPMed 0.00007; gnomAD 0.00009; ESP Exome Variant Server 0.00023.
gnomAD v4.1: 197 of 1,614,086 alleles (0.012%); highest among the groups gnomAD compares: Non-Finnish European, 0.016%; 1 homozygote.

Submissions (4):

Labcorp Genetics (formerly Invitae), Labcorp
Classification: Likely benign. Last evaluated: 2026-01-17. Review status: criteria provided, single submitter. Criteria: Invitae Variant Classification Sherloc (09022015). Collection method: clinical testing. Allele origin: germline.

GeneDx
Classification: Uncertain significance. Last evaluated: 2024-05-28. Review status: criteria provided, single submitter. Criteria: GeneDx Variant Classification Process June 2021. Collection method: clinical testing. Allele origin: germline. Affected: yes.
Comment: In silico analysis supports that this missense variant has a deleterious effect on protein structure/function; Has not been previously published as pathogenic or benign to our knowledge

Ambry Genetics
Classification: Uncertain significance for Inborn genetic diseases. Last evaluated: 2024-04-12. Review status: criteria provided, single submitter. Criteria: Ambry Variant Classification Scheme 2023. Collection method: clinical testing. Allele origin: germline.

Illumina Laboratory Services, Illumina
Classification: Uncertain significance for FLNB-Related Spectrum Disorders. Last evaluated: 2018-01-13. Review status: criteria provided, single submitter. Criteria: ICSL Variant Classification Criteria 13 December 2019. Collection method: clinical testing. Allele origin: germline.

NM_001457.4(FLNB):c.7120C>T (p.Arg2374Cys)

Genes: FLNB (filamin B; plus strand), FLNB-AS1 (FLNB antisense RNA 1; minus strand). Cytogenetic location: 3p14.3.
Variant type: single nucleotide variant.
Coding change: c.7120C>T on transcript NM_001457.4 (MANE Select); coding-DNA position 7120, C replaced by T.
Protein change: p.Arg2374Cys; replaces arginine 2374 with cysteine.
Molecular consequence: missense variant. On other transcripts: non-coding transcript variant (1).
Genome position (GRCh38, 1-based): chr3:58,163,252, C>T. VCF-style: chr3-58163252-C-T. GRCh37 (hg19) VCF-style: chr3-58148979-C-T.
Other names: c.7213C>T, p.Arg2405Cys (NM_001164317.2); c.7087C>T, p.Arg2363Cys (NM_001164318.2); c.7048C>T, p.Arg2350Cys (NM_001164319.2); short protein forms R2374C, R2405C, R2350C, R2363C.
Identifiers: ClinVar variation 346364 (VCV000346364.13), dbSNP rs146963572, ClinGen allele CA2469602.